The following is an entry in ClinVar:

ClinVar aggregate classification (germline): Uncertain significance (1 of 4 stars; one submission).

Allele frequency attached by ClinVar (database versions not stated): ExAC 0.00001; gnomAD exomes 0.00001.
gnomAD v4.1: 3 of 1,614,120 alleles (0.00019%); highest among the groups gnomAD compares: South Asian, 0.0022%; no homozygotes.

Submission:

Labcorp Genetics (formerly Invitae), Labcorp
Classification: Uncertain significance. Last evaluated: 2023-10-13. Review status: criteria provided, single submitter. Criteria: Invitae Variant Classification Sherloc (09022015). Collection method: clinical testing. Allele origin: germline.
Comment: This sequence change replaces glutamic acid, which is acidic and polar, with lysine, which is basic and polar, at codon 809 of the IGF1R protein (p.Glu809Lys). This variant is present in population databases (rs768636512, gnomAD 0.003%). This variant has not been reported in the literature in individuals affected with IGF1R-related conditions. ClinVar contains an entry for this variant (Variation ID: 1982671). Advanced modeling of protein sequence and biophysical properties (such as structural, functional, and spatial information, amino acid conservation, physicochemical variation, residue mobility, and thermodynamic stability) performed at Invitae indicates that this missense variant is not expected to disrupt IGF1R protein function. In summary, the available evidence is currently insufficient to determine the role of this variant in disease. Therefore, it has been classified as a Variant of Uncertain Significance.

NM_000875.5(IGF1R):c.2425G>A (p.Glu809Lys)

Gene: IGF1R (insulin like growth factor 1 receptor; plus strand). Cytogenetic location: 15q26.3.
Variant type: single nucleotide variant.
Coding change: c.2425G>A on transcript NM_000875.5 (MANE Select); coding-DNA position 2425, G replaced by A.
Protein change: p.Glu809Lys; replaces glutamic acid 809 with lysine.
Molecular consequence: missense variant.
Genome position (GRCh38, 1-based): chr15:98,922,371, G>A. VCF-style: chr15-98922371-G-A. GRCh37 (hg19) VCF-style: chr15-99465600-G-A.
Other names: c.2425G>A, p.Glu809Lys (NM_001291858.2); short protein forms E809K.
Identifiers: ClinVar variation 1982671 (VCV001982671.4), dbSNP rs768636512, ClinGen allele CA7752389.